The following is an entry in ClinVar:

NM_015650.4(IFT54):c.574C>T (p.Arg192Cys)

Gene: IFT54 (intraflagellar transport 54; plus strand). Cytogenetic location: 2q37.3.
Variant type: single nucleotide variant.
Coding change: c.574C>T on transcript NM_015650.4 (MANE Select); coding-DNA position 574, C replaced by T.
Protein change: p.Arg192Cys; replaces arginine 192 with cysteine.
Molecular consequence: missense variant.
Genome position (GRCh38, 1-based): chr2:238,329,001, C>T. VCF-style: chr2-238329001-C-T. GRCh37 (hg19) VCF-style: chr2-239237642-C-T.
Other names: c.574C>T, p.Arg192Cys (NM_001139490.1); c.574C>T (NM_015650.3); short protein forms R192C.
Identifiers: ClinVar variation 1040577 (VCV001040577.7), dbSNP rs771700832, ClinGen allele CA2198101.

ClinVar aggregate classification (germline): Uncertain significance. Review status: criteria provided, multiple submitters, no conflicts (2 of 4 stars). 3 submissions from 3 submitters: Uncertain significance (3). Last evaluated 2024-01-03.

Conditions:
Inborn genetic diseases. Identifiers: MedGen C0950123, MeSH D030342.

Allele frequency attached by ClinVar (database versions not stated): ExAC below 0.00001; TOPMed 0.00001; gnomAD exomes 0.00002; gnomAD 0.00003.
gnomAD v4.1: 30 of 1,550,986 alleles (0.0019%); highest among the groups gnomAD compares: East Asian, 0.0098%; no homozygotes.

Submissions (3):

Ambry Genetics
Classification: Uncertain significance for Inborn genetic diseases. Last evaluated: 2024-01-03. Review status: criteria provided, single submitter. Criteria: Ambry Variant Classification Scheme 2023. Collection method: clinical testing. Allele origin: germline.

Blueprint Genetics
Classification: Uncertain significance. Last evaluated: 2023-03-14. Review status: criteria provided, single submitter. Criteria: ACMG Guidelines, 2015. Collection method: clinical testing. Allele origin: germline.

Labcorp Genetics (formerly Invitae), Labcorp
Classification: Uncertain significance. Last evaluated: 2022-07-19. Review status: criteria provided, single submitter. Criteria: Invitae Variant Classification Sherloc (09022015). Collection method: clinical testing. Allele origin: germline.
Comment: This sequence change replaces arginine, which is basic and polar, with cysteine, which is neutral and slightly polar, at codon 192 of the TRAF3IP1 protein (p.Arg192Cys). This variant is present in population databases (rs771700832, gnomAD 0.03%). This variant has not been reported in the literature in individuals affected with TRAF3IP1-related conditions. ClinVar contains an entry for this variant (Variation ID: 1040577). Algorithms developed to predict the effect of missense changes on protein structure and function are either unavailable or do not agree on the potential impact of this missense change (SIFT: "Deleterious"; PolyPhen-2: "Benign"; Align-GVGD: "Class C15"). In summary, the available evidence is currently insufficient to determine the role of this variant in disease. Therefore, it has been classified as a Variant of Uncertain Significance.